The following is an entry in ClinVar:

NM_000553.6(WRN):c.700G>A (p.Val234Met)

Gene: WRN (WRN RecQ like helicase; plus strand). Cytogenetic location: 8p12.
Variant type: single nucleotide variant.
Coding change: c.700G>A on transcript NM_000553.6 (MANE Select); coding-DNA position 700, G replaced by A.
Protein change: p.Val234Met; replaces valine 234 with methionine.
Molecular consequence: missense variant.
Genome position (GRCh38, 1-based): chr8:31,068,303, G>A. VCF-style: chr8-31068303-G-A. GRCh37 (hg19) VCF-style: chr8-30925819-G-A.
Other names: short protein forms V234M.
Identifiers: ClinVar variation 949330 (VCV000949330.5), dbSNP rs769291583, ClinGen allele CA370917098.

ClinVar aggregate classification (germline): Uncertain significance (1 of 4 stars; one submission).

Conditions:
Werner syndrome (WRN). Identifiers: Orphanet 902, MedGen C0043119, MONDO:0010196, OMIM 277700.

gnomAD v4.1: 1 of 1,608,868 alleles (0.000062%); highest among the groups gnomAD compares: Admixed American, 0.0017%; no homozygotes.

Submission:

Labcorp Genetics (formerly Invitae), Labcorp
Classification: Uncertain significance for Werner syndrome. Last evaluated: 2025-10-22. Review status: criteria provided, single submitter. Criteria: Invitae Variant Classification Sherloc (09022015). Collection method: clinical testing. Allele origin: germline.
Comment: This sequence change replaces valine, which is neutral and non-polar, with methionine, which is neutral and non-polar, at codon 234 of the WRN protein (p.Val234Met). This variant is not present in population databases (gnomAD no frequency). This variant has not been reported in the literature in individuals affected with WRN-related conditions. ClinVar contains an entry for this variant (Variation ID: 949330). An algorithm developed to predict the effect of missense changes on protein structure and function outputs the following: PolyPhen-2: "Benign". The methionine amino acid residue is found in multiple mammalian species, which suggests that this missense change does not adversely affect protein function. In summary, the available evidence is currently insufficient to determine the role of this variant in disease. Therefore, it has been classified as a Variant of Uncertain Significance.